The following is an entry in ClinVar:

ClinVar aggregate classification (germline): Likely benign (1 of 4 stars; one submission).

Allele frequency attached by ClinVar (database versions not stated): gnomAD below 0.00001 and 0.00008; gnomAD exomes 0.00004 and 0.00009; ExAC 0.00020; 1000 Genomes Project 30x 0.00031; 1000 Genomes Project 0.00040.
gnomAD v4.1: 76 of 1,597,638 alleles (0.0048%); highest among the groups gnomAD compares: South Asian, 0.077%; 1 homozygote.

Submission:

GeneDx
Classification: Likely benign. Last evaluated: 2017-06-16. Review status: criteria provided, single submitter. Criteria: GeneDx Variant Classification (06012015). Collection method: clinical testing. Allele origin: germline. Affected: yes.
Comment: This variant is considered likely benign or benign based on one or more of the following criteria: it is a conservative change, it occurs at a poorly conserved position in the protein, it is predicted to be benign by multiple in silico algorithms, and/or has population frequency not consistent with disease.

NM_024120.5(NDUFAF5):c.-26G>T

Genes: NDUFAF5 (NADH:ubiquinone oxidoreductase complex assembly factor 5; plus strand), LOC130065433 (ATAC-STARR-seq lymphoblastoid active region 17552; plus strand). Cytogenetic location: 20p12.1.
Variant type: single nucleotide variant.
Coding change: c.-26G>T on transcript NM_024120.5 (MANE Select); 26 bases upstream of the start codon, G replaced by T.
Molecular consequence: 5 prime UTR variant. On other transcripts: non-coding transcript variant (7).
Genome position (GRCh38, 1-based): chr20:13,785,043, G>T. VCF-style: chr20-13785043-G-T. GRCh37 (hg19) VCF-style: chr20-13765689-G-T.
Other names: c.-26G>T (NM_001039375.3, NM_001352408.2); c.-393G>T (NM_001352403.2); c.-607G>T (NM_001352406.2); c.-721G>T (NM_001352407.2).
Identifiers: ClinVar variation 510083 (VCV000510083.1), dbSNP rs557506481, ClinGen allele CA9767541.